The following is an entry in ClinVar:

ClinVar aggregate classification (germline): Pathogenic (1 of 4 stars; one submission).

Conditions:
Primary ciliary dyskinesia. Also called: Ciliary dyskinesia. Identifiers: Orphanet 244, MedGen C0008780, MONDO:0016575, HP:0012265.

Submission:

Labcorp Genetics (formerly Invitae), Labcorp
Classification: Pathogenic for Primary ciliary dyskinesia. Last evaluated: 2024-11-05. Review status: criteria provided, single submitter. Criteria: Invitae Variant Classification Sherloc (09022015). Collection method: clinical testing. Allele origin: germline.
Comment: This sequence change creates a premature translational stop signal (p.Ser2897*) in the DNAH8 gene. It is expected to result in an absent or disrupted protein product. Loss-of-function variants in DNAH8 are known to be pathogenic (PMID: 24307375, 32619401, 32681648). This variant is not present in population databases (gnomAD no frequency). This variant has not been reported in the literature in individuals affected with DNAH8-related conditions. For these reasons, this variant has been classified as Pathogenic.

Literature cited by the submitters: PubMed 24307375; PubMed 32619401; PubMed 32681648.

NM_001206927.2(DNAH8):c.8690C>G (p.Ser2897Ter)

Gene: DNAH8 (dynein axonemal heavy chain 8; plus strand). Cytogenetic location: 6p21.2.
Variant type: single nucleotide variant.
Coding change: c.8690C>G on transcript NM_001206927.2 (MANE Select); coding-DNA position 8690, C replaced by G.
Protein change: p.Ser2897Ter; replaces serine 2897 with a stop codon.
Molecular consequence: nonsense.
Genome position (GRCh38, 1-based): chr6:38,894,807, C>G. VCF-style: chr6-38894807-C-G. GRCh37 (hg19) VCF-style: chr6-38862583-C-G.
Other names: c.8039C>G, p.Ser2680Ter (NM_001371.4); short protein forms S2680*, S2897*.
Identifiers: ClinVar variation 3645871 (VCV003645871.2).